The following is an entry in ClinVar:

NM_016628.5(WAC):c.710C>T (p.Ala237Val)

Gene: WAC (WW domain containing adaptor with coiled-coil; plus strand). Cytogenetic location: 10p12.1.
Variant type: single nucleotide variant.
Coding change: c.710C>T on transcript NM_016628.5 (MANE Select); coding-DNA position 710, C replaced by T.
Protein change: p.Ala237Val; replaces alanine 237 with valine.
Molecular consequence: missense variant. On other transcripts: intron variant (1).
Genome position (GRCh38, 1-based): chr10:28,595,832, C>T. VCF-style: chr10-28595832-C-T. GRCh37 (hg19) VCF-style: chr10-28884761-C-T.
Other names: c.575C>T, p.Ala192Val (NM_100264.3); c.610+5000C>T (NM_100486.4); short protein forms A237V, A192V.
Identifiers: ClinVar variation 2229034 (VCV002229034.4), dbSNP rs1341395273, ClinGen allele CA376402095.

ClinVar aggregate classification (germline): Uncertain significance. Review status: criteria provided, multiple submitters, no conflicts (2 of 4 stars). 2 submissions from 2 submitters: Uncertain significance (2). Last evaluated 2026-05-05.

Conditions:
Inborn genetic diseases. Identifiers: MedGen C0950123, MeSH D030342.

Allele frequency attached by ClinVar (database versions not stated): gnomAD exomes below 0.00001; TOPMed below 0.00001; gnomAD 0.00001.
gnomAD v4.1: 3 of 1,614,020 alleles (0.00019%); highest among the groups gnomAD compares: Admixed American, 0.0033%; no homozygotes.

Submissions (2):

Women's Health and Genetics/Laboratory Corporation of America, LabCorp
Classification: Uncertain significance. Last evaluated: 2026-05-05. Review status: criteria provided, single submitter. Criteria: LabCorp Variant Classification Summary - May 2015. Collection method: clinical testing. Allele origin: germline.
Comment: Variant summary: WAC c.710C>T (p.Ala237Val) results in a non-conservative amino acid change in the encoded protein sequence. Algorithms developed to predict the effect of missense changes on protein structure and function are either unavailable or do not agree on the potential impact of this missense change. The variant was absent in 251228 control chromosomes. The available data on variant occurrences in the general population are insufficient to allow any conclusion about variant significance. To our knowledge, no occurrence of c.710C>T in individuals affected with WAC-related conditions and no experimental evidence demonstrating its impact on protein function have been reported. ClinVar contains an entry for this variant (Variation ID: 2229034). Based on the evidence outlined above, the variant was classified as uncertain significance.

Ambry Genetics
Classification: Uncertain significance for Inborn genetic diseases. Last evaluated: 2021-01-12. Review status: criteria provided, single submitter. Criteria: Ambry Variant Classification Scheme 2023. Collection method: clinical testing. Allele origin: germline.